The following is an entry in ClinVar:

ClinVar aggregate classification (germline): Uncertain significance. Review status: criteria provided, multiple submitters, no conflicts (2 of 4 stars). 2 submissions from 2 submitters: Uncertain significance (2). Last evaluated 2017-06-30.

Conditions:
Dilated cardiomyopathy 1G (CMD1G). Identifiers: Orphanet 154, MedGen C1858763, MONDO:0011400, OMIM 604145.
Autosomal recessive limb-girdle muscular dystrophy type 2J (LGMDR10). Also called: MUSCULAR DYSTROPHY, LIMB-GIRDLE, AUTOSOMAL RECESSIVE 10; Limb-girdle muscular dystrophy, type 2J. Identifiers: Orphanet 140922, MedGen C1837342, MONDO:0012127, OMIM 608807.

gnomAD v4.1: 12 of 1,613,804 alleles (0.00074%); highest among the groups gnomAD compares: East Asian, 0.027%; no homozygotes.

Submissions (2):

Labcorp Genetics (formerly Invitae), Labcorp
Classification: Uncertain significance for Dilated cardiomyopathy 1G; Autosomal recessive limb-girdle muscular dystrophy type 2J. Last evaluated: 2017-06-30. Review status: criteria provided, single submitter. Criteria: Invitae Variant Classification Sherloc (09022015). Collection method: clinical testing. Allele origin: germline.

GeneDx
Classification: Uncertain significance. Last evaluated: 2014-05-05. Review status: criteria provided, single submitter. Criteria: GeneDx Variant Classification (06012015). Collection method: clinical testing. Allele origin: germline. Affected: yes.
Comment: Missense variants in the TTN gene are considered 'unclassified' if they are not previously reported in the literature and do not have >1% frequency in the population to be considered a polymorphism. Research indicates that truncating mutations in the TTN gene are expected to account for approximately 25% of familial and 18% of sporadic idiopathic DCM; however, truncating variants in the TTN gene have been reported in approximately 3% of reported control alleles. There has been little investigation into non-truncating variants. (Herman D et al. Truncations of titin causing dilated cardiomyopathy. N Eng J Med 366:619-628, 2012) The variant is found in DCM-CRDM panel(s).

NM_001267550.2(TTN):c.97992C>A (p.His32664Gln)

Genes: TTN-AS1 (TTN antisense RNA 1; plus strand), TTN (titin; minus strand). Cytogenetic location: 2q31.2.
Variant type: single nucleotide variant.
Coding change: c.97992C>A on transcript NM_001267550.2 (MANE Select); coding-DNA position 97992, C replaced by A.
Protein change: p.His32664Gln; replaces histidine 32664 with glutamine.
Molecular consequence: missense variant.
Genome position (GRCh38, 1-based): chr2:178,540,174, G>T on the plus strand (C>A on the coding strand, the complement: TTN is on the minus strand). VCF-style: chr2-178540174-G-T. GRCh37 (hg19) VCF-style: chr2-179404901-G-T.
Other names: p.H31023Q:CAC>CAA; c.93069C>A, p.His31023Gln (NM_001256850.1); c.70797C>A, p.His23599Gln (NM_003319.4); c.90288C>A, p.His30096Gln (NM_133378.4); c.71172C>A, p.His23724Gln (NM_133432.3); c.71373C>A, p.His23791Gln (NM_133437.4); short protein forms H31023Q, H32664Q, H23599Q, H23724Q, H23791Q, H30096Q.
Identifiers: ClinVar variation 203036 (VCV000203036.4), dbSNP rs794729549, ClinGen allele CA311046.